The following is an entry in ClinVar:

ClinVar aggregate classification (germline): Uncertain significance. Review status: criteria provided, multiple submitters, no conflicts (2 of 4 stars). 2 submissions from 2 submitters: Uncertain significance (2). Last evaluated 2025-08-07.

Conditions:
Developmental and epileptic encephalopathy. Identifiers: MedGen C5779964, MONDO:0100620.

Allele frequency attached by ClinVar (database versions not stated): gnomAD 0.00001.
gnomAD v4.1: 1 of 1,613,844 alleles (0.000062%); highest among the groups gnomAD compares: East Asian, 0.0022%; no homozygotes.

Submissions (2):

GeneDx
Classification: Uncertain significance. Last evaluated: 2025-08-07. Review status: criteria provided, single submitter. Criteria: GeneDx Variant Classification Process June 2021. Collection method: clinical testing. Allele origin: germline. Affected: yes.
Comment: Not observed at significant frequency in large population cohorts (gnomAD); In silico analysis supports that this missense variant has a deleterious effect on protein structure/function; Has not been previously published as pathogenic or benign to our knowledge

Labcorp Genetics (formerly Invitae), Labcorp
Classification: Uncertain significance for Early infantile epileptic encephalopathy with suppression bursts. Last evaluated: 2018-10-03. Review status: criteria provided, single submitter. Criteria: Invitae Variant Classification Sherloc (09022015). Collection method: clinical testing. Allele origin: germline.
Comment: This sequence change replaces serine with arginine at codon 715 of the SCN1A protein (p.Ser715Arg). The serine residue is highly conserved and there is a moderate physicochemical difference between serine and arginine. This variant is not present in population databases (ExAC no frequency). This variant has not been reported in the literature in individuals with SCN1A-related disease. Algorithms developed to predict the effect of missense changes on protein structure and function (SIFT, PolyPhen-2, Align-GVGD) all suggest that this variant is likely to be disruptive, but these predictions have not been confirmed by published functional studies and their clinical significance is uncertain. In summary, the available evidence is currently insufficient to determine the role of this variant in disease. Therefore, it has been classified as a Variant of Uncertain Significance.

NM_001165963.4(SCN1A):c.2143A>C (p.Ser715Arg)

Gene: SCN1A (sodium voltage-gated channel alpha subunit 1; minus strand). Cytogenetic location: 2q24.3.
Variant type: single nucleotide variant.
Coding change: c.2143A>C on transcript NM_001165963.4 (MANE Select); coding-DNA position 2143, A replaced by C.
Protein change: p.Ser715Arg; replaces serine 715 with arginine.
Molecular consequence: missense variant. On other transcripts: 5 prime UTR variant (1), non-coding transcript variant (1).
Genome position (GRCh38, 1-based): chr2:166,042,325, T>G on the plus strand (A>C on the coding strand, the complement: SCN1A is on the minus strand). VCF-style: chr2-166042325-T-G. GRCh37 (hg19) VCF-style: chr2-166898835-T-G.
Other names: c.2059A>C, p.Ser687Arg (NM_001165964.3, NM_001353957.2, NM_001353958.2); c.2143A>C, p.Ser715Arg (NM_001202435.3, NM_001353948.2); c.2110A>C, p.Ser704Arg (NM_001353949.2, NM_001353950.2, NM_001353951.2 and 2 more transcripts); c.2107A>C, p.Ser703Arg (NM_001353954.2, NM_001353955.2); c.2056A>C, p.Ser686Arg (NM_001353960.2); c.-316A>C (NM_001353961.2); short protein forms S704R, S715R, S703R, S686R, S687R.
Identifiers: ClinVar variation 655907 (VCV000655907.3), dbSNP rs1349978357, ClinGen allele CA349065737.